The following is an entry in ClinVar:

ClinVar aggregate classification (germline): Uncertain significance (1 of 4 stars; one submission).

Allele frequency attached by ClinVar (database versions not stated): gnomAD exomes below 0.00001.
gnomAD v4.1: 1 of 1,613,338 alleles (0.000062%); highest among the groups gnomAD compares: African/African-American, 0.0013%; no homozygotes.

Submission:

Labcorp Genetics (formerly Invitae), Labcorp
Classification: Uncertain significance. Last evaluated: 2023-07-07. Review status: criteria provided, single submitter. Criteria: Invitae Variant Classification Sherloc (09022015). Collection method: clinical testing. Allele origin: germline.
Comment: This sequence change replaces alanine, which is neutral and non-polar, with glutamic acid, which is acidic and polar, at codon 185 of the IFT27 protein (p.Ala185Glu). This variant is not present in population databases (gnomAD no frequency). This variant has not been reported in the literature in individuals affected with IFT27-related conditions. ClinVar contains an entry for this variant (Variation ID: 1504143). Advanced modeling of protein sequence and biophysical properties (such as structural, functional, and spatial information, amino acid conservation, physicochemical variation, residue mobility, and thermodynamic stability) performed at Invitae indicates that this missense variant is not expected to disrupt IFT27 protein function. In summary, the available evidence is currently insufficient to determine the role of this variant in disease. Therefore, it has been classified as a Variant of Uncertain Significance.

NM_001177701.3(IFT27):c.557C>A (p.Ala186Glu)

Genes: CACNG2-DT (CACNG2 divergent transcript; plus strand), IFT27 (intraflagellar transport 27; minus strand). Cytogenetic location: 22q12.3.
Variant type: single nucleotide variant.
Coding change: c.557C>A on transcript NM_001177701.3 (MANE Select); coding-DNA position 557, C replaced by A.
Protein change: p.Ala186Glu; replaces alanine 186 with glutamic acid.
Molecular consequence: missense variant.
Genome position (GRCh38, 1-based): chr22:36,758,315, G>T on the plus strand (C>A on the coding strand, the complement: IFT27 is on the minus strand). VCF-style: chr22-36758315-G-T. GRCh37 (hg19) VCF-style: chr22-37154359-G-T.
Other names: c.557C>A, p.Ala186Glu (NM_001363003.2); c.554C>A, p.Ala185Glu (NM_006860.5); short protein forms A185E, A186E.
Identifiers: ClinVar variation 1504143 (VCV001504143.6), dbSNP rs1211294837, ClinGen allele CA411378145.
Genomic context (GRCh38, chr22:36,758,315, plus strand): 5'-AAGAGCAGAGGTAATTCTGTCTTCTCCGGTTGTGCAGCACGATCTGCTCCAGCTCGTCAT[G>T]CCAGGGCCCGGAAAACCTCCACCTTCTCCCGGTACAGCTGGTGGAACTGCTTGGCAAGGC-3'
Protein context (NP_001171172.1, residues 176-186): REKVEVFRAL[Ala186Glu]